The following is an entry in ClinVar:

ClinVar aggregate classification (germline): Conflicting classifications of pathogenicity. Review status: criteria provided, conflicting classifications (1 of 4 stars). 7 submissions from 7 submitters: Likely pathogenic (2); Uncertain significance (5). Last evaluated 2026-04-23.

Conditions:
Dilated cardiomyopathy 1G (CMD1G). Identifiers: Orphanet 154, MedGen C1858763, MONDO:0011400, OMIM 604145.
Autosomal recessive titinopathy. Identifiers: MedGen CN315649, MONDO:0100493.
Autosomal recessive limb-girdle muscular dystrophy type 2J (LGMDR10). Also called: Limb-girdle muscular dystrophy, type 2J; MUSCULAR DYSTROPHY, LIMB-GIRDLE, AUTOSOMAL RECESSIVE 10. Identifiers: Orphanet 140922, MedGen C1837342, MONDO:0012127, OMIM 608807.
Hypertrophic cardiomyopathy 9. Also called: Familial hypertrophic cardiomyopathy 9. Identifiers: MedGen C1861065, MONDO:0013412, OMIM 613765.
Tibial muscular dystrophy (TMD). Also called: Udd Distal Myopathy – Tibial Muscular Dystrophy; Tibial muscular dystrophy, tardive; UDD MYOPATHY. Identifiers: Orphanet 609, MedGen C1838244, MONDO:0010870, OMIM 600334.
Myopathy, myofibrillar, 9, with early respiratory failure (MFM9). Also called: Hereditary myopathy with early respiratory failure; EDSTROM MYOPATHY; MYOPATHY, PROXIMAL, WITH EARLY RESPIRATORY MUSCLE INVOLVEMENT; Myopathy, distal, with early respiratory failure, autosomal dominant. Identifiers: Orphanet 178464, Orphanet 34521, MedGen C1863599, MONDO:0011362, OMIM 603689.
Early-onset myopathy with fatal cardiomyopathy (CMYO5). Also called: Salih Myopathy; CONGENITAL MYOPATHY 5 WITH CARDIOMYOPATHY. Identifiers: Orphanet 289377, MedGen C2673677, MONDO:0012714, OMIM 611705. Disease mechanism: loss of function.

Allele frequency attached by ClinVar (database versions not stated): 1000 Genomes Project 0.00020; 1000 Genomes Project 30x 0.00016.
gnomAD v4.1: 44 of 1,539,768 alleles (0.0029%); highest among the groups gnomAD compares: South Asian, 0.038%; no homozygotes.

Submissions (7):

Dasa
Classification: Likely pathogenic for Dilated cardiomyopathy 1G. Last evaluated: 2026-04-23. Review status: criteria provided, single submitter. Criteria: DASA Assertion Criteria. Collection method: clinical testing. Allele origin: germline.
Comment: NM_001267550.2(TTN):c.32887+1G>T affects a canonical splice site and is predicted to disrupt normal RNA splicing. Loss of function is an established disease mechanism for TTN-associated disorders. Also, this variant is rare in population databases. Based on the currently available evidence, this variant is classified as likely pathogenic.

Labcorp Genetics (formerly Invitae), Labcorp
Classification: Likely pathogenic for Dilated cardiomyopathy 1G; Autosomal recessive limb-girdle muscular dystrophy type 2J. Last evaluated: 2026-01-21. Review status: criteria provided, single submitter. Criteria: Invitae Variant Classification Sherloc (09022015). Collection method: clinical testing. Allele origin: germline.
Comment: This sequence change affects a donor splice site in intron 134 of the TTN gene. It is expected to disrupt RNA splicing and likely results in a truncated or disrupted TTN protein. This variant is present in population databases (rs546105899, gnomAD 0.01%). This variant has not been reported in the literature in individuals affected with TTN-related conditions. ClinVar contains an entry for this variant (Variation ID: 500306). Algorithms developed to predict the effect of sequence changes on RNA splicing suggest that this variant may disrupt the consensus splice site. This variant is located in the I band of TTN (PMID: 25589632). Truncating variants in this region have been reported in individuals affected with autosomal recessive centronuclear myopathy (PMID: 23975875, internal data). Truncating variants in this region have also been identified in individuals affected with autosomal dominant dilated cardiomyopathy and/or cardio-related conditions (PMID: 27869827, 32964742, internal data). In summary, the currently available evidence indicates that the variant is pathogenic, but additional data are needed to prove that conclusively. Therefore, this variant has been classified as Likely Pathogenic.

Victorian Clinical Genetics Services, Murdoch Childrens Research Institute
Classification: Uncertain significance for Autosomal recessive titinopathy. Last evaluated: 2025-10-14. Review status: criteria provided, single submitter. Criteria: ACMG Guidelines, 2015. Collection method: clinical testing. Allele origin: germline. Affected: no.
Comment: This variant is classified as VUS-3A. Evidence in support of pathogenic classification: Canonical splice site variant without proven consequence on splicing (no functional evidence available); Variant is present in gnomAD <0.01 (v4: 44 heterozygote(s), 0 homozygote(s)); Abnormal splicing is predicted by in silico tool and affected nucleotide is highly conserved. Additional information: This variant is not located at a canonical splice site in an alternative transcript. This variant is deep intronic in the RefSeq cardiac isoform N2B (NM_003319.4), however it is at the canonical splice site in the meta-transcript (NM_001267550.2) and the cardiac isoform N2BA (NM_001256850.1) (UCSC); This variant is heterozygous; This gene is associated with both recessive and dominant disease (OMIM); Alternative amino acid change(s) at the same position are present in gnomAD (highest allele count: v4: 7 heterozygote(s), 0 homozygote(s)); Previous reports of pathogenicity for this variant are conflicting. This variant has been classified as likely pathogenic and as a VUS by clinical laboratories (ClinVar); No published evidence of segregation with disease has been identified for this variant; No published functional evidence has been identified for this variant; Other splice variant(s) comparable to the one identified in this case have conflicting previous evidence for pathogenicity. c.32887+1G>A and c.32887+2T>C have been classified as likely pathogenic on ClinVar however no clinical details were provided. c. 32887+1G>A has been identified in a cardiomyopathy and arrhythmia cohort and classified as a VUS (PMID: 35947370); Loss of function is a known mechanism of disease in this gene. In addition, dominant negative is also a suggested mechanism (PMID: 25589632); The condition associated with this gene has incomplete penetrance. Variants in this gene that result in a premature termination codon (PTC) are known to have reduced penetrance in DCM (PMID: 25589632).

Revvity Omics, Revvity
Classification: Uncertain significance. Last evaluated: 2025-07-24. Review status: criteria provided, single submitter. Criteria: ACMG Guidelines, 2015. Collection method: clinical testing. Allele origin: germline.

GeneDx
Classification: Uncertain significance. Last evaluated: 2023-07-10. Review status: criteria provided, single submitter. Criteria: GeneDx Variant Classification Process June 2021. Collection method: clinical testing. Allele origin: germline. Affected: yes.
Comment: Has not been previously published as pathogenic or benign in association with cardiomyopathy to our knowledge; Canonical splice site variant in a gene or region of a gene for which loss of function is not a well-established mechanism of disease; This variant is associated with the following publications: (PMID: 35177841)

Fulgent Genetics
Classification: Uncertain significance for Tibial muscular dystrophy; Myopathy, myofibrillar, 9, with early respiratory failure; Dilated cardiomyopathy 1G; Autosomal recessive limb-girdle muscular dystrophy type 2J; Early-onset myopathy with fatal cardiomyopathy; Hypertrophic cardiomyopathy 9. Last evaluated: 2021-09-02. Review status: criteria provided, single submitter. Criteria: ACMG Guidelines, 2015. Collection method: clinical testing. Allele origin: unknown.

Eurofins Ntd Llc (ga)
Classification: Uncertain significance. Last evaluated: 2017-02-03. Review status: criteria provided, single submitter. Criteria: EGL Classification Definitions 2015. Collection method: clinical testing. Allele origin: germline. Observed: 1 variant allele, 1 heterozygote.

Literature cited by the submitters: PubMed 25589632 (cited by Labcorp Genetics (formerly Invitae), Labcorp and Victorian Clinical Genetics Services, Murdoch Childrens Research Institute); PubMed 23975875 (cited by Labcorp Genetics (formerly Invitae), Labcorp); PubMed 27869827 (cited by Labcorp Genetics (formerly Invitae), Labcorp); PubMed 32964742 (cited by Labcorp Genetics (formerly Invitae), Labcorp); PubMed 35947370 (cited by Victorian Clinical Genetics Services, Murdoch Childrens Research Institute).

NM_001267550.2(TTN):c.32887+1G>T

Gene: TTN (titin; minus strand). Cytogenetic location: 2q31.2.
Variant type: single nucleotide variant.
Coding change: c.32887+1G>T on transcript NM_001267550.2 (MANE Select); the canonical splice donor site of the intron after coding-DNA position 32887, G replaced by T.
Molecular consequence: splice donor variant. On other transcripts: intron variant (3).
Genome position (GRCh38, 1-based): chr2:178,683,210, C>A on the plus strand (G>T on the coding strand, the complement: TTN is on the minus strand). VCF-style: chr2-178683210-C-A. GRCh37 (hg19) VCF-style: chr2-179547937-C-A.
Other names: c.13283-40893G>T (NM_003319.4); c.13859-40893G>T (NM_133437.4); c.13658-40893G>T (NM_133432.3); c.29155+1G>T (NM_133378.4); c.31936+1G>T (NM_001256850.1).
Identifiers: ClinVar variation 500306 (VCV000500306.24), dbSNP rs546105899, ClinGen allele CA1998505.
Genomic context (GRCh38, chr2:178,683,210, plus strand): 5'-CTAGAAGGCAAAGAGCCAGATAGTTTCATGCCTCACATTACTTAATCAAAGTTCAATATA[C>A]CTTTGATGGGTTGAGGTTCTCTTTTTGGAGCTTCAATTGATACTTTTTCTTCTTTAACCA-3'